The following is an entry in ClinVar:

ClinVar aggregate classification (germline): Uncertain significance. Review status: criteria provided, multiple submitters, no conflicts (2 of 4 stars). 3 submissions from 3 submitters: Uncertain significance (3). Last evaluated 2025-06-14.

Conditions:
Familial cancer of breast. Also called: BREAST CANCER, FAMILIAL; Hereditary breast cancer; hereditary breast carcinoma. Identifiers: Orphanet 227535, MedGen C0346153, MONDO:0016419, OMIM 114480. Disease mechanism: loss of function.
Hereditary cancer-predisposing syndrome. Also called: Neoplastic Syndromes, Hereditary; Hereditary Cancer Syndrome; Hereditary neoplastic syndrome; Tumor predisposition. Identifiers: Orphanet 140162, MedGen C0027672, MeSH D009386, MONDO:0015356.

Allele frequency attached by ClinVar (database versions not stated): ExAC 0.00001; gnomAD exomes 0.00001.
gnomAD v4.1: 2 of 1,614,086 alleles (0.00012%); highest among the groups gnomAD compares: East Asian, 0.0022%; no homozygotes.

Submissions (3):

Labcorp Genetics (formerly Invitae), Labcorp
Classification: Uncertain significance for Familial cancer of breast. Last evaluated: 2025-06-14. Review status: criteria provided, single submitter. Criteria: Invitae Variant Classification Sherloc (09022015). Collection method: clinical testing. Allele origin: germline.
Comment: This sequence change replaces leucine, which is neutral and non-polar, with phenylalanine, which is neutral and non-polar, at codon 169 of the PALB2 protein (p.Leu169Phe). This variant is present in population databases (rs180177086, gnomAD 0.01%). This variant has not been reported in the literature in individuals affected with PALB2-related conditions. ClinVar contains an entry for this variant (Variation ID: 461008). An algorithm developed to predict the effect of missense changes on protein structure and function outputs the following: PolyPhen-2: "Possibly Damaging". The phenylalanine amino acid residue is found in multiple mammalian species, which suggests that this missense change does not adversely affect protein function. In summary, the available evidence is currently insufficient to determine the role of this variant in disease. Therefore, it has been classified as a Variant of Uncertain Significance.

Ambry Genetics
Classification: Uncertain significance for Hereditary cancer-predisposing syndrome. Last evaluated: 2024-10-14. Review status: criteria provided, single submitter. Criteria: Ambry Variant Classification Scheme 2023. Collection method: clinical testing. Allele origin: germline.
Comment: The p.L169F variant (also known as c.505C>T), located in coding exon 4 of the PALB2 gene, results from a C to T substitution at nucleotide position 505. The leucine at codon 169 is replaced by phenylalanine, an amino acid with highly similar properties. This amino acid position is conserved. In addition, this alteration is predicted to be tolerated by in silico analysis. Based on the available evidence, the clinical significance of this variant remains unclear.

Baylor Genetics
Classification: Uncertain significance for Familial cancer of breast. Last evaluated: 2024-03-05. Review status: criteria provided, single submitter. Criteria: ACMG Guidelines, 2015. Collection method: clinical testing. Allele origin: unknown.

NM_024675.4(PALB2):c.505C>T (p.Leu169Phe)

Gene: PALB2 (partner and localizer of BRCA2; minus strand). Cytogenetic location: 16p12.2.
Variant type: single nucleotide variant.
Coding change: c.505C>T on transcript NM_024675.4 (MANE Select); coding-DNA position 505, C replaced by T.
Protein change: p.Leu169Phe; replaces leucine 169 with phenylalanine.
Molecular consequence: missense variant.
Genome position (GRCh38, 1-based): chr16:23,636,041, G>A on the plus strand (C>T on the coding strand, the complement: PALB2 is on the minus strand). VCF-style: chr16-23636041-G-A. GRCh37 (hg19) VCF-style: chr16-23647362-G-A.
Other names: short protein forms L169F.
Identifiers: ClinVar variation 461008 (VCV000461008.9), dbSNP rs180177086, ClinGen allele CA7963784.